The following is an entry in ClinVar:

ClinVar aggregate classification (germline): Pathogenic/Likely pathogenic. Review status: criteria provided, multiple submitters, no conflicts (2 of 4 stars). 11 submissions from 11 submitters: Pathogenic (4); Likely pathogenic (5). 2 of the submissions do not count toward it. Last evaluated 2026-02-03.

Conditions:
Central core myopathy (CMYO1A). Also called: CONGENITAL MYOPATHY 1A, AUTOSOMAL DOMINANT, WITH SUSCEPTIBILITY TO MALIGNANT HYPERTHERMIA; Central core disease; Myopathy, central fibrillar. Identifiers: Orphanet 597, MedGen C5830701, MONDO:0007294, OMIM 117000.
Congenital multicore myopathy with external ophthalmoplegia (CMYO1B). Also called: MULTICORE MYOPATHY; Minicore myopathy with external ophthalmoplegia; Congenital myopathy 1B, autosomal recessive; Minicore myopathy; MULTIMINICORE DISEASE WITH EXTERNAL OPHTHALMOPLEGIA. Identifiers: Orphanet 598, Orphanet 98905, MedGen C1850674, MONDO:0009712, OMIM 255320, HP:0003789.
King Denborough syndrome (KDS). Identifiers: MedGen C1840365, MONDO:0020485, OMIM 619542.
Malignant hyperthermia, susceptibility to, 1 (MHS1). Also called: RYR1-Related Malignant Hyperthermia Susceptibility; Anesthesia related hyperthermia; Malignant hyperpyrexia; Fulminating hyperpyrexia; Pharmacogenic myopathy; Malignant hyperthermia suceptibility 1. Identifiers: Orphanet 423, MedGen C2930980, MONDO:0007783, OMIM 145600.
RYR1-related disorder. Also called: RYR1-related disorders; RYR1-related condition. Identifiers: MedGen CN239331.
Myopathy, RYR1-associated.

Allele frequency attached by ClinVar (database versions not stated): gnomAD exomes 0.00001 and 0.00004; TOPMed 0.00001; ExAC 0.00006.
gnomAD v4.1: 19 of 1,591,452 alleles (0.0012%); highest among the groups gnomAD compares: Admixed American, 0.014%; no homozygotes.

Submissions (11):

GeneDx
Classification: Likely pathogenic. Last evaluated: 2026-02-03. Review status: criteria provided, single submitter. Criteria: GeneDx Variant Classification Process June 2021. Collection method: clinical testing. Allele origin: germline.
Comment: Previously identified in patients tested at GeneDx and in the literature with RYR1-related myopathy who had a second RYR1 variant, however phase was not determined (PMID: 33642296); Previously reported in the heterozygous state in a patient with fetal akinesia and moderate myopathy (PMID: 35428369); In silico analysis supports that this missense variant has a deleterious effect on protein structure/function; This variant is associated with the following publications: (PMID: 21911697, 33767344, 33146414, 22473935, 34008892, 33642296, 35428369, 37510394, 39843441, 40413734)

CeGaT Center for Human Genetics Tuebingen
Classification: Pathogenic. Last evaluated: 2025-12-01. Review status: criteria provided, single submitter. Criteria: CeGaT Center For Human Genetics Tuebingen Variant Classification Criteria Version 2. Collection method: clinical testing. Allele origin: germline. Affected: yes. Observed: 3 variant alleles.
Comment: RYR1: PM3:Very Strong, PM2, PP3

Labcorp Genetics (formerly Invitae), Labcorp
Classification: Pathogenic for RYR1-related disorder. Last evaluated: 2025-11-10. Review status: criteria provided, single submitter. Criteria: Invitae Variant Classification Sherloc (09022015). Collection method: clinical testing. Allele origin: germline.
Comment: This sequence change replaces leucine, which is neutral and non-polar, with proline, which is neutral and non-polar, at codon 417 of the RYR1 protein (p.Leu417Pro). This variant is present in population databases (rs764262446, gnomAD 0.03%). This missense change has been observed in individual(s) with autosomal recessive congenital myopathy (PMID: 21911697, 22473935; internal data). In at least one individual the data is consistent with being in trans (on the opposite chromosome) from a pathogenic variant. ClinVar contains an entry for this variant (Variation ID: 544398). Invitae Evidence Modeling of protein sequence and biophysical properties (such as structural, functional, and spatial information, amino acid conservation, physicochemical variation, residue mobility, and thermodynamic stability) indicates that this missense variant is expected to disrupt RYR1 protein function with a positive predictive value of 80%. For these reasons, this variant has been classified as Pathogenic.

Revvity Omics, Revvity
Classification: Likely pathogenic. Last evaluated: 2025-05-13. Review status: criteria provided, single submitter. Criteria: ACMG Guidelines, 2015. Collection method: clinical testing. Allele origin: germline.

Women's Health and Genetics/Laboratory Corporation of America, LabCorp
Classification: Pathogenic. Last evaluated: 2025-04-29. Review status: criteria provided, single submitter. Criteria: LabCorp Variant Classification Summary - May 2015. Collection method: clinical testing. Allele origin: germline.
Comment: Variant summary: RYR1 c.1250T>C (p.Leu417Pro) results in a non-conservative amino acid change in the encoded protein sequence. Five of five in-silico tools predict a damaging effect of the variant on protein function. The variant allele was found at a frequency of 4.3e-05 in 207268 control chromosomes. c.1250T>C has been observed in multiple individuals affected with with autosomal recessive congenital myopathies and central core disease (e.g. Klein_2011, Herman_2021, Rossi_2021, Marinakis_2021, Fusto_2022, Labcorp (formerly Invitae)). These data indicate that the variant is very likely to be associated with disease. To our knowledge, no experimental evidence demonstrating an impact on protein function has been reported. ClinVar contains an entry for this variant (Variation ID: 544398). To our knowledge, this variant has not been reported in individuals with King-Denborough syndrome or Malignant hyperthermia susceptibility. Based on the evidence outlined above, the variant was classified as pathogenic for autosomal recessive RYR1-associated congenital myopathy

Fulgent Genetics
Classification: Likely pathogenic for Central core myopathy; Malignant hyperthermia, susceptibility to, 1; Congenital multicore myopathy with external ophthalmoplegia; King Denborough syndrome. Last evaluated: 2024-05-06. Review status: criteria provided, single submitter. Criteria: ACMG Guidelines, 2015. Collection method: clinical testing. Allele origin: germline.

Human Genetics Bochum, Ruhr University Bochum
Classification: Likely pathogenic. Last evaluated: 2023-02-13. Review status: criteria provided, single submitter. Criteria: ACMG Guidelines, 2015. Collection method: clinical testing. Allele origin: germline. Affected: yes.
Comment: ACMG criteria used to clasify this variant: PP3_STR, PS4_MOD, PM2_SUP

3billion
Classification: Pathogenic for Congenital multicore myopathy with external ophthalmoplegia. Last evaluated: 2022-05-22. Review status: criteria provided, single submitter. Criteria: ACMG Guidelines, 2015. Collection method: clinical testing. Allele origin: germline. Affected: yes. Observed: 1 heterozygote.
Comment: The variant is observed at an extremely low frequency in the gnomAD v2.1.1 dataset (total allele frequency: 0.004%). The variant is located in a mutational hot spot and/or well-established functional domain in which established pathogenic variants have been reported. In silico tool predictions suggest damaging effect of the variant on gene or gene product (REVEL: 0.96; 3Cnet: 0.97). Same nucleotide change resulting in same amino acid change has been previously reported as pathogenic/likely pathogenic with strong evidence (ClinVar ID: VCV000544398). The variant has been reported to be in trans with a pathogenic variant as either compound heterozygous or homozygous in at least one similarly affected unrelated individual (PMID: 22473935). Therefore, this variant is classified as pathogenic according to the recommendation of ACMG/AMP guideline.

Laboratory of Medical Genetics, National & Kapodistrian University of Athens
Classification: Likely pathogenic for Central core myopathy. Last evaluated: 2021-10-01. Review status: criteria provided, single submitter. Criteria: ACMG Guidelines, 2015. Collection method: clinical testing. Allele origin: paternal. Affected: yes.
Comment: PM2, PM3, PP2, PP3

PreventionGenetics, part of Exact Sciences
Classification: Likely pathogenic for RYR1-related condition. Last evaluated: 2024-09-18. Review status: no assertion criteria provided. Collection method: clinical testing. Allele origin: germline. Not counted in ClinVar's aggregate classification.
Comment: The RYR1 c.1250T>C variant is predicted to result in the amino acid substitution p.Leu417Pro. This variant was reported in the compound heterozygous state with another RYR1 loss of function variant in at least two individuals with RYR1-related myopathy (See patient 32 in Klein et al. 2011. PubMed ID: 21911697; See case ID 9166 in Supp. Table 2 Marinakis et al. 2021. PubMed ID: 34008892). This variant was also reported in an additional study as compound heterozygous in a patient with pediatric neuromuscular disease, but the second variant was not listed (See Supp. Table 2 in Herman et al. 2020. PubMed ID: 33146414). This variant was found in a patient in a cohort study of RYR1-related congenital myopathies, but no zygosity information was provided (Table 2 and Additional file 4,  Fusto. 2022. PubMed ID: 35428369).  This variant is reported in 0.027% of alleles in individuals of Latino descent in gnomAD. This variant is interpreted as likely pathogenic for autosomal recessive RYR1-related myopathy.

All of Us Research Program, National Institutes of Health
Classification: Uncertain significance for Malignant hyperthermia, susceptibility to, 1. Last evaluated: 2024-09-23. Review status: flagged submission. Criteria: ACMG Guidelines, 2015. Collection method: clinical testing. Allele origin: germline. Inheritance: Autosomal dominant inheritance. Observed: 4 variant alleles, 4 heterozygotes. Not counted in ClinVar's aggregate classification.
Comment: This missense variant replaces leucine with proline at codon 417 of the RYR1 protein. Computational prediction suggests that this variant may have deleterious impact on protein structure and function (internally defined REVEL score threshold >= 0.85, PMID: 27666373). This variant occurs in the N-terminal region (a.a. 1-552) of the RYR1 protein that is considered to be a hotspot for pathogenic variants that contribute to malignant hyperthermia susceptibility (PMID: 21118704). To our knowledge, functional studies have not been reported for this variant. This variant has not been reported in individuals affected with autosomal dominant malignant hyperthermia in the literature, although it is associated with other phenotype(s) (ClinVar variation ID: 544398). This variant has been identified in 9/207268 chromosomes in the general population by the Genome Aggregation Database (gnomAD). Due to insufficient evidence, this variant is classified as a Variant of Uncertain Significance for autosomal dominant malignant hyperthermia.

This study involves interpretation of variants in research participants for the purpose of population health screening. Participant phenotype was not available at the time of variant classification. Additional details can be found in publication PMID: 35346344, PMCID: PMC8962531
ClinVar note: Reason: Outlier claim with insufficient supporting evidence

Literature cited by the submitters: PubMed 21911697 (cited by Labcorp Genetics (formerly Invitae), Labcorp and Women's Health and Genetics/Laboratory Corporation of America, LabCorp); PubMed 22473935 (cited by Labcorp Genetics (formerly Invitae), Labcorp and 3billion); PubMed 33146414 (cited by Women's Health and Genetics/Laboratory Corporation of America, LabCorp); PubMed 34008892 (cited by Women's Health and Genetics/Laboratory Corporation of America, LabCorp and Laboratory of Medical Genetics, National & Kapodistrian University of Athens); PubMed 35428369 (cited by Women's Health and Genetics/Laboratory Corporation of America, LabCorp); PubMed 33758288 (cited by Women's Health and Genetics/Laboratory Corporation of America, LabCorp); PubMed 37510394 (cited by Women's Health and Genetics/Laboratory Corporation of America, LabCorp); PubMed 33767344 (cited by 3billion); PubMed 21118704 (cited by All of Us Research Program, National Institutes of Health).

NM_000540.3(RYR1):c.1250T>C (p.Leu417Pro)

Gene: RYR1 (ryanodine receptor 1; plus strand). Cytogenetic location: 19q13.2.
Variant type: single nucleotide variant.
Coding change: c.1250T>C on transcript NM_000540.3 (MANE Select); coding-DNA position 1250, T replaced by C.
Protein change: p.Leu417Pro; replaces leucine 417 with proline.
Molecular consequence: missense variant.
Genome position (GRCh38, 1-based): chr19:38,452,824, T>C. VCF-style: chr19-38452824-T-C. GRCh37 (hg19) VCF-style: chr19-38943464-T-C.
Other names: c.1250T>C, p.Leu417Pro (NM_001042723.2); short protein forms L417P.
Identifiers: ClinVar variation 544398 (VCV000544398.71), dbSNP rs764262446, ClinGen allele CA059053.
Genomic context (GRCh38, chr19:38,452,824, plus strand): 5'-ACGTTGCGGCAGTTAGCGCTCCCAGCCGTGGCTGACAGCTGCGAGGTCCCTGTAGGAGCC[T>C]GGACAGCTTCAGCGGGAAGCCACGGGGCTCGGGGCCACCCGCTGGCACGGCGCTGCCCAT-3'
Protein context (NP_000531.2, residues 407-427): NGLYNQFIKS[Leu417Pro]DSFSGKPRGS